The following is an entry in ClinVar:

ClinVar aggregate classification (germline): Conflicting classifications of pathogenicity. Review status: criteria provided, conflicting classifications (1 of 4 stars). 6 submissions from 6 submitters: Uncertain significance (1); Benign (1); Likely benign (4). Last evaluated 2026-01-12.

Conditions:
Lynch syndrome. Identifiers: Orphanet 144, MedGen C4552100, MONDO:0005835. Disease mechanism: loss of function.
Hereditary nonpolyposis colorectal neoplasms. Identifiers: MedGen C0009405, MeSH D003123.
Lynch syndrome 4 (LYNCH4). Also called: Colorectal cancer, hereditary nonpolyposis, type 4; Hereditary non-polyposis colorectal cancer, type 4. Identifiers: Orphanet 144, MedGen C1838333, MONDO:0013699, OMIM 614337. Disease mechanism: loss of function.
Hereditary cancer-predisposing syndrome. Also called: Neoplastic Syndromes, Hereditary; Hereditary Cancer Syndrome; Tumor predisposition; Hereditary neoplastic syndrome. Identifiers: Orphanet 140162, MedGen C0027672, MeSH D009386, MONDO:0015356.

Allele frequency attached by ClinVar (database versions not stated): TOPMed below 0.00001; gnomAD exomes 0.00001 and 0.00002; ExAC 0.00002.
gnomAD v4.1: 8 of 1,614,086 alleles (0.0005%); highest among the groups gnomAD compares: Admixed American, 0.012%; no homozygotes.

Submissions (6):

Labcorp Genetics (formerly Invitae), Labcorp
Classification: Likely benign for Hereditary nonpolyposis colorectal neoplasms. Last evaluated: 2026-01-12. Review status: criteria provided, single submitter. Criteria: Invitae Variant Classification Sherloc (09022015). Collection method: clinical testing. Allele origin: germline.

Myriad Genetics, Inc.
Classification: Benign for Lynch syndrome 4. Last evaluated: 2025-01-28. Review status: criteria provided, single submitter. Criteria: Myriad Autosomal Dominant, Autosomal Recessive and X-Linked Classification Criteria (2023). Collection method: clinical testing. Allele origin: unknown.
Comment: This variant is considered benign. This variant is a silent/synonymous amino acid change and it is not expected to impact splicing.

All of Us Research Program, National Institutes of Health
Classification: Likely benign for Lynch syndrome. Last evaluated: 2023-12-13. Review status: criteria provided, single submitter. Criteria: ACMG Guidelines, 2015. Collection method: clinical testing. Allele origin: germline. Inheritance: Autosomal dominant inheritance. Observed: 2 variant alleles, 2 heterozygotes.
Comment: This study involves interpretation of variants in research participants for the purpose of population health screening. Participant phenotype was not available at the time of variant classification. Additional details can be found in publication PMID: 35346344, PMCID: PMC8962531

Color Diagnostics, LLC DBA Color Health
Classification: Likely benign for Hereditary cancer-predisposing syndrome. Last evaluated: 2018-12-04. Review status: criteria provided, single submitter. Criteria: ACMG Guidelines, 2015. Collection method: clinical testing. Allele origin: germline.

GeneKor MSA
Classification: Uncertain significance for Hereditary cancer-predisposing syndrome. Last evaluated: 2018-08-01. Review status: criteria provided, single submitter. Criteria: ACMG Guidelines, 2015. Collection method: clinical testing. Allele origin: germline. Affected: yes.

Ambry Genetics
Classification: Likely benign for Hereditary cancer-predisposing syndrome. Last evaluated: 2015-09-30. Review status: criteria provided, single submitter. Criteria: Ambry Variant Classification Scheme 2023. Collection method: clinical testing. Allele origin: germline.

NM_000535.7(PMS2):c.852A>G (p.Ser284=)

Gene: PMS2 (PMS1 homolog 2, mismatch repair system component; minus strand). Cytogenetic location: 7p22.1.
Variant type: single nucleotide variant.
Coding change: c.852A>G on transcript NM_000535.7 (MANE Select); coding-DNA position 852, A replaced by G.
Protein change: p.Ser284=; no amino-acid change (serine 284 retained).
Molecular consequence: synonymous variant. On other transcripts: 5 prime UTR variant (2), non-coding transcript variant (1).
Genome position (GRCh38, 1-based): chr7:5,995,585, T>C on the plus strand (A>G on the coding strand, the complement: PMS2 is on the minus strand). VCF-style: chr7-5995585-T-C. GRCh37 (hg19) VCF-style: chr7-6035216-T-C.
Other names: c.447A>G, p.Ser149= (NM_001322003.2, NM_001322004.2, NM_001322005.2 and 2 more transcripts); c.852A>G, p.Ser284= (NM_001322006.2, NM_001322014.2); c.534A>G, p.Ser178= (NM_001322007.2, NM_001322008.2); c.-82A>G (NM_001322011.2, NM_001322012.2); c.279A>G, p.Ser93= (NM_001322013.2); c.543A>G, p.Ser181= (NM_001322015.2).
Identifiers: ClinVar variation 584546 (VCV000584546.19), dbSNP rs766177007, ClinGen allele CA052002.
Genomic context (GRCh38, chr7:5,995,585, plus strand): 5'-TTTAAATACCTTTGCTGGGTCACAAGGCCGCCGGTTGATAAAGAAAAACTGTCTGTCTGT[T>C]GAACTCCTTCCAACTCCATGCGTGCATTGTGAAATGAAACCTGAGATGCTATTCAACATT-3'
Protein context (NP_000526.2, residues 274-294): SQCTHGVGRS[Ser284=]TDRQFFFINR